The following is an entry in ClinVar:

ClinVar aggregate classification (germline): Uncertain significance. Review status: criteria provided, multiple submitters, no conflicts (2 of 4 stars). 4 submissions from 4 submitters: Uncertain significance (3). 1 of the submissions does not count toward it. Last evaluated 2022-09-08.

Conditions:
Fanconi anemia (FA). Also called: Fanconi's anemia. Identifiers: Orphanet 84, MedGen C0015625, MeSH D005199, MONDO:0019391.
Fanconi anemia complementation group G. Also called: Fanconi anemia group G; FANCG-Related Fanconi Anemia. Identifiers: Orphanet 84, MedGen C3469527, MONDO:0013565, OMIM 614082.

Allele frequency attached by ClinVar (database versions not stated): gnomAD exomes 0.00010; TOPMed 0.00010; gnomAD 0.00013 and 0.00014; ExAC 0.00016; 1000 Genomes Project 30x 0.00031; ESP Exome Variant Server 0.00038; 1000 Genomes Project 0.00040.
gnomAD v4.1: 198 of 1,614,052 alleles (0.012%); highest among the groups gnomAD compares: Middle Eastern, 0.13%; 2 homozygotes.

Submissions (4):

St. Jude Molecular Pathology, St. Jude Children's Research Hospital
Classification: Uncertain significance for Fanconi anemia complementation group G. Last evaluated: 2022-09-08. Review status: criteria provided, single submitter. Criteria: St. Jude Assertion Criteria 2020. Collection method: clinical testing. Allele origin: germline.
Comment: The FANCG c.1367A>T (p.His456Leu) missense change has a maximum subpopulation frequency of 0.019% in gnomAD v2.1.1. The in silico tool REVEL predicts a benign effect on protein function, but to our knowledge this prediction has not been confirmed by functional studies. To our knowledge, this variant has not been reported in individuals with Fanconi anemia. In summary, the evidence currently available is insufficient to determine the clinical significance of this variant. It has therefore been classified as of uncertain significance.

Labcorp Genetics (formerly Invitae), Labcorp
Classification: Uncertain significance for Fanconi anemia. Last evaluated: 2022-07-24. Review status: criteria provided, single submitter. Criteria: Invitae Variant Classification Sherloc (09022015). Collection method: clinical testing. Allele origin: germline.
Comment: This sequence change replaces histidine, which is basic and polar, with leucine, which is neutral and non-polar, at codon 456 of the FANCG protein (p.His456Leu). This variant is present in population databases (rs148808709, gnomAD 0.02%). This variant has not been reported in the literature in individuals affected with FANCG-related conditions. ClinVar contains an entry for this variant (Variation ID: 579904). Algorithms developed to predict the effect of missense changes on protein structure and function (SIFT, PolyPhen-2, Align-GVGD) all suggest that this variant is likely to be tolerated. In summary, the available evidence is currently insufficient to determine the role of this variant in disease. Therefore, it has been classified as a Variant of Uncertain Significance.

Fulgent Genetics
Classification: Uncertain significance for Fanconi anemia complementation group G. Last evaluated: 2021-07-25. Review status: criteria provided, single submitter. Criteria: ACMG Guidelines, 2015. Collection method: clinical testing. Allele origin: unknown.

Natera, Inc.
Classification: Uncertain significance for Fanconi anemia group G. Last evaluated: 2020-09-16. Review status: no assertion criteria provided. Collection method: clinical testing. Allele origin: germline. Not counted in ClinVar's aggregate classification.

NM_004629.2(FANCG):c.1367A>T (p.His456Leu)

Gene: FANCG (FA complementation group G; minus strand). Cytogenetic location: 9p13.3.
Variant type: single nucleotide variant.
Coding change: c.1367A>T on transcript NM_004629.2 (MANE Select); coding-DNA position 1367, A replaced by T.
Protein change: p.His456Leu; replaces histidine 456 with leucine.
Molecular consequence: missense variant.
Genome position (GRCh38, 1-based): chr9:35,075,531, T>A on the plus strand (A>T on the coding strand, the complement: FANCG is on the minus strand). VCF-style: chr9-35075531-T-A. GRCh37 (hg19) VCF-style: chr9-35075528-T-A.
Other names: short protein forms H456L.
Identifiers: ClinVar variation 579904 (VCV000579904.9), dbSNP rs148808709, ClinGen allele CA5039762.